The following is an entry in ClinVar:

NM_078480.3(PUF60):c.1329G>C (p.Ser443=)

Gene: PUF60 (poly(U) binding splicing factor 60; minus strand). Cytogenetic location: 8q24.3.
Variant type: single nucleotide variant.
Coding change: c.1329G>C on transcript NM_078480.3 (MANE Select); coding-DNA position 1329, G replaced by C.
Protein change: p.Ser443=; no amino-acid change (serine 443 retained).
Molecular consequence: synonymous variant.
Genome position (GRCh38, 1-based): chr8:143,816,961, C>G on the plus strand (G>C on the coding strand, the complement: PUF60 is on the minus strand). VCF-style: chr8-143816961-C-G. GRCh37 (hg19) VCF-style: chr8-144899131-C-G.
Other names: c.1200G>C, p.Ser400= (NM_001136033.3); c.1275G>C, p.Ser425= (NM_001271096.2); c.1191G>C, p.Ser397= (NM_001271097.2); c.1326G>C, p.Ser442= (NM_001271098.2); c.1242G>C, p.Ser414= (NM_001271099.2); c.1149G>C, p.Ser383= (NM_001271100.2); c.1440G>C, p.Ser480= (NM_001362895.2, NM_001362896.2); c.1389G>C, p.Ser463= (NM_001362897.2); and 1 more.
Identifiers: ClinVar variation 789605 (VCV000789605.32), dbSNP rs368018307, ClinGen allele CA187615798.
Genomic context (GRCh38, chr8:143,816,961, plus strand): 5'-TCTGCCTACCTCCTGCTTGCGGAGCAGCTTCTGCATCACCATGTGTCGGGCGCTACTGCC[C>G]GAGATGCTCATGTGCTCCTGCTCGCTCAGCATCTCTGGCCGCTCTGACTCGGGAAACAGC-3'
Protein context (NP_510965.1, residues 433-453): MLSEQEHMSI[Ser443=]GSSARHMVMQ

ClinVar aggregate classification (germline): Benign/Likely benign. Review status: criteria provided, multiple submitters, no conflicts (2 of 4 stars). 3 submissions from 3 submitters: Benign (1); Likely benign (2). Last evaluated 2024-10-21.

Allele frequency attached by ClinVar (database versions not stated): 1000 Genomes Project 30x 0.00016; ESP Exome Variant Server 0.00016; 1000 Genomes Project 0.00020; TOPMed 0.00027.
gnomAD v4.1: 321 of 1,599,350 alleles (0.02%); highest among the groups gnomAD compares: South Asian, 0.16%; 3 homozygotes.

Submissions (3):

Blueprint Genetics
Classification: Likely benign. Last evaluated: 2024-10-21. Review status: criteria provided, single submitter. Criteria: ACMG Guidelines, 2015. Collection method: clinical testing. Allele origin: germline.

CeGaT Center for Human Genetics Tuebingen
Classification: Likely benign. Last evaluated: 2023-05-01. Review status: criteria provided, single submitter. Criteria: CeGaT Center For Human Genetics Tuebingen Variant Classification Criteria Version 2. Collection method: clinical testing. Allele origin: germline. Affected: yes. Observed: 1 variant allele.
Comment: PUF60: BP4, BP7

Labcorp Genetics (formerly Invitae), Labcorp
Classification: Benign. Last evaluated: 2019-12-31. Review status: criteria provided, single submitter. Criteria: Invitae Variant Classification Sherloc (09022015). Collection method: clinical testing. Allele origin: germline.